The following is an entry in ClinVar:

NM_017617.5(NOTCH1):c.6347A>G (p.Tyr2116Cys)

Gene: NOTCH1 (notch receptor 1; minus strand). Cytogenetic location: 9q34.3.
Variant type: single nucleotide variant.
Coding change: c.6347A>G on transcript NM_017617.5 (MANE Select); coding-DNA position 6347, A replaced by G.
Protein change: p.Tyr2116Cys; replaces tyrosine 2116 with cysteine.
Molecular consequence: missense variant.
Genome position (GRCh38, 1-based): chr9:136,497,392, T>C on the plus strand (A>G on the coding strand, the complement: NOTCH1 is on the minus strand). VCF-style: chr9-136497392-T-C. GRCh37 (hg19) VCF-style: chr9-139391844-T-C.
Other names: short protein forms Y2116C.
Identifiers: ClinVar variation 4781242 (VCV004781242.1).
Genomic context (GRCh38, chr9:136,497,392, plus strand): 5'-GACAGGGTGGGCGTGCCCCCCAGCGGGGCTCCGTGCAGCTGCGGGCTGCGCACCAGGTTG[T>C]ACTCGTCCAGCAGCCTCACGATGTCGTGATGCATGCGCTCCTGTGCGATGTCGCGCGGCA-3'
Protein context (NP_060087.3, residues 2106-2126): HHDIVRLLDE[Tyr2116Cys]NLVRSPQLHG

ClinVar aggregate classification (germline): Uncertain significance (1 of 4 stars; one submission).

Conditions:
Adams-Oliver syndrome 5 (AOS5). Identifiers: Orphanet 974, MedGen C4014970, MONDO:0014459, OMIM 616028.

gnomAD v4.1: 4 of 1,610,256 alleles (0.00025%); highest among the groups gnomAD compares: Non-Finnish European, 0.00034%; no homozygotes.

Submission:

Labcorp Genetics (formerly Invitae), Labcorp
Classification: Uncertain significance for Adams-Oliver syndrome 5. Last evaluated: 2025-03-04. Review status: criteria provided, single submitter. Criteria: Invitae Variant Classification Sherloc (09022015). Collection method: clinical testing. Allele origin: germline.
Comment: This sequence change replaces tyrosine, which is neutral and polar, with cysteine, which is neutral and slightly polar, at codon 2116 of the NOTCH1 protein (p.Tyr2116Cys). The frequency data for this variant in the population databases is considered unreliable, as metrics indicate poor data quality at this position in the gnomAD database. This variant has not been reported in the literature in individuals affected with NOTCH1-related conditions. Invitae Evidence Modeling of protein sequence and biophysical properties (such as structural, functional, and spatial information, amino acid conservation, physicochemical variation, residue mobility, and thermodynamic stability) indicates that this missense variant is not expected to disrupt NOTCH1 protein function with a negative predictive value of 80%. In summary, the available evidence is currently insufficient to determine the role of this variant in disease. Therefore, it has been classified as a Variant of Uncertain Significance.